The following is an entry in ClinVar:

ClinVar aggregate classification (germline): Uncertain significance. Review status: criteria provided, multiple submitters, no conflicts (2 of 4 stars). 2 submissions from 2 submitters: Uncertain significance (2). Last evaluated 2025-05-05.

Conditions:
Inborn genetic diseases. Identifiers: MedGen C0950123, MeSH D030342.

Allele frequency attached by ClinVar (database versions not stated): 1000 Genomes Project 30x 0.00016; 1000 Genomes Project 0.00020; gnomAD exomes 0.00030 and 0.00039; ESP Exome Variant Server 0.00038; gnomAD 0.00016; ExAC 0.00036; TOPMed 0.00015.

Submissions (2):

Labcorp Genetics (formerly Invitae), Labcorp
Classification: Uncertain significance. Last evaluated: 2025-05-05. Review status: criteria provided, single submitter. Criteria: Invitae Variant Classification Sherloc (09022015). Collection method: clinical testing. Allele origin: germline.
Comment: This sequence change replaces proline, which is neutral and non-polar, with serine, which is neutral and polar, at codon 1627 of the ITGB4 protein (p.Pro1627Ser). This variant is present in population databases (rs201023107, gnomAD 0.06%). This variant has not been reported in the literature in individuals affected with ITGB4-related conditions. ClinVar contains an entry for this variant (Variation ID: 1384391). An algorithm developed to predict the effect of missense changes on protein structure and function (PolyPhen-2) suggests that this variant is likely to be tolerated. In summary, the available evidence is currently insufficient to determine the role of this variant in disease. Therefore, it has been classified as a Variant of Uncertain Significance.

Ambry Genetics
Classification: Uncertain significance for Inborn genetic diseases. Last evaluated: 2024-08-21. Review status: criteria provided, single submitter. Criteria: Ambry Variant Classification Scheme 2023. Collection method: clinical testing. Allele origin: germline.

NM_000213.5(ITGB4):c.5089C>T (p.Pro1697Ser)

Genes: GALK1 (galactokinase 1; minus strand), ITGB4 (integrin subunit beta 4; plus strand). Cytogenetic location: 17q25.1.
Variant type: single nucleotide variant.
Coding change: c.5089C>T on transcript NM_000213.5 (MANE Select); coding-DNA position 5089, C replaced by T.
Protein change: p.Pro1697Ser; replaces proline 1697 with serine.
Molecular consequence: missense variant. On other transcripts: intron variant (1).
Genome position (GRCh38, 1-based): chr17:75,756,978, C>T. VCF-style: chr17-75756978-C-T. GRCh37 (hg19) VCF-style: chr17-73753059-C-T.
Other names: c.5038C>T, p.Pro1680Ser (NM_001005619.2); c.4879C>T, p.Pro1627Ser (NM_001005731.3, NM_001321123.2); c.4729C>T, p.Pro1577Ser (NM_001438834.1); c.*22+1056G>A (NM_001381985.1); short protein forms P1680S, P1627S, P1697S, P1577S.
Identifiers: ClinVar variation 1384391 (VCV001384391.6), dbSNP rs201023107, ClinGen allele CA8770456.